The following is an entry in ClinVar:

ClinVar aggregate classification (germline): Uncertain significance (1 of 4 stars; one submission).

Submission:

Labcorp Genetics (formerly Invitae), Labcorp
Classification: Uncertain significance. Last evaluated: 2024-07-23. Review status: criteria provided, single submitter. Criteria: Invitae Variant Classification Sherloc (09022015). Collection method: clinical testing. Allele origin: germline.
Comment: This sequence change replaces lysine, which is basic and polar, with arginine, which is basic and polar, at codon 163 of the CHD8 protein (p.Lys163Arg). This variant is not present in population databases (gnomAD no frequency). This variant has not been reported in the literature in individuals affected with CHD8-related conditions. An algorithm developed to predict the effect of missense changes on protein structure and function (PolyPhen-2) suggests that this variant is likely to be disruptive. In summary, the available evidence is currently insufficient to determine the role of this variant in disease. Therefore, it has been classified as a Variant of Uncertain Significance.

NM_001170629.2(CHD8):c.488A>G (p.Lys163Arg)

Gene: CHD8 (chromodomain helicase DNA binding protein 8; minus strand). Cytogenetic location: 14q11.2.
Variant type: single nucleotide variant.
Coding change: c.488A>G on transcript NM_001170629.2 (MANE Select); coding-DNA position 488, A replaced by G.
Protein change: p.Lys163Arg; replaces lysine 163 with arginine.
Molecular consequence: missense variant. On other transcripts: intron variant (1).
Genome position (GRCh38, 1-based): chr14:21,431,156, T>C on the plus strand (A>G on the coding strand, the complement: CHD8 is on the minus strand). VCF-style: chr14-21431156-T-C. GRCh37 (hg19) VCF-style: chr14-21899315-T-C.
Other names: c.6+655A>G (NM_020920.4); short protein forms K163R.
Identifiers: ClinVar variation 3660361 (VCV003660361.2).